The following is an entry in ClinVar:

NM_002971.6(SATB1):c.1779+615_1779+616del

Gene: SATB1 (SATB homeobox 1; minus strand). Cytogenetic location: 3p24.3.
Variant type: Microsatellite.
Coding change: c.1779+615_1779+616del on transcript NM_002971.6 (MANE Select); bases 615 to 616 of the intron after coding-DNA position 1779, 2 bases deleted (AG; older notation c.1779+615_1779+616delAG).
Molecular consequence: intron variant. On other transcripts: frameshift variant (2).
Genome position (GRCh38, 1-based): chr3:18,351,376-18,351,377, CT deleted on the plus strand (AG on the coding strand, the reverse complement: SATB1 is on the minus strand); deleting any 2 consecutive bases within chr3:18,351,376-18,351,380 gives the same sequence; the c. name uses the placement nearest the transcript's 3' end. VCF-style (leftmost placement, unchanged base first): chr3-18351375-ACT-A. GRCh37 (hg19) VCF-style: chr3-18392867-ACT-A.
Other names: c.1811_1812del, p.Glu604fs (NM_001195470.3, NM_001322871.2); c.1779+615_1779+616del (NM_001322874.2, NM_001322872.2, NM_001322873.2 and 2 more transcripts); c.1563+615_1563+616del (NM_001322876.2); short protein forms E604fs.
Identifiers: ClinVar variation 4998336 (VCV004998336.1).

ClinVar aggregate classification (germline): Likely pathogenic (1 of 4 stars; one submission).

Conditions:
SATB1-related disorder. Also called: SATB1-related condition.

Submission:

PreventionGenetics, part of Exact Sciences
Classification: Likely pathogenic for SATB1-related condition. Last evaluated: 2026-03-01. Review status: criteria provided, single submitter. Criteria: ACMG Guidelines, 2015. Collection method: clinical testing. Allele origin: germline.
Comment: The SATB1 c.1811_1812delAG variant is predicted to result in a frameshift and premature protein termination (p.Glu604Valfs*2). To our knowledge, this variant has not been reported in the literature or in a large population database (gnomAD), indicating this variant is rare. Frameshift variants in SATB1 are expected to be pathogenic. This variant is interpreted as likely pathogenic.